The following is an entry in ClinVar:

ClinVar aggregate classification (germline): Uncertain significance. Review status: criteria provided, multiple submitters, no conflicts (2 of 4 stars). 4 submissions from 4 submitters: Uncertain significance (3). 1 of the submissions does not count toward it. Last evaluated 2025-08-09.

Conditions:
Cardiomyopathy (CMYO). Also called: Cardiomyopathies. Identifiers: Orphanet 167848, MedGen C0878544, MONDO:0004994, HP:0001638. Inheritance: Various modes of inheritance.
Duchenne muscular dystrophy (DMD). Also called: MUSCULAR DYSTROPHY, PSEUDOHYPERTROPHIC PROGRESSIVE, DUCHENNE TYPE; Duchenne Muscular Dystrophy (DMD). Identifiers: Orphanet 98896, MedGen C0013264, MONDO:0010679, OMIM 310200.
Becker muscular dystrophy (BMD). Also called: MUSCULAR DYSTROPHY, PSEUDOHYPERTROPHIC PROGRESSIVE, BECKER TYPE; Becker Muscular Dystrophy (BMD). Identifiers: Orphanet 98895, MedGen C0917713, MONDO:0010311, OMIM 300376.
Dystrophin deficiency.
Cardiovascular phenotype. Identifiers: MedGen CN230736.
Dilated cardiomyopathy 3B (CMD3B). Also called: CMD3B: DMD-Related Dilated Cardiomyopathy; CARDIOMYOPATHY, DILATED, X-LINKED; DMD-Associated Dilated Cardiomyopathy. Identifiers: Orphanet 154, MedGen C3668940, MONDO:0010542, OMIM 302045.

Allele frequency attached by ClinVar (database versions not stated): TOPMed below 0.00001.

Submissions (4):

Labcorp Genetics (formerly Invitae), Labcorp
Classification: Uncertain significance for Duchenne muscular dystrophy. Last evaluated: 2025-08-09. Review status: criteria provided, single submitter. Criteria: Invitae Variant Classification Sherloc (09022015). Collection method: clinical testing. Allele origin: germline.
Comment: This sequence change replaces asparagine, which is neutral and polar, with threonine, which is neutral and polar, at codon 122 of the DMD protein (p.Asn122Thr). This variant is not present in population databases (gnomAD no frequency). This variant has not been reported in the literature in individuals affected with DMD-related conditions. ClinVar contains an entry for this variant (Variation ID: 654308). Invitae Evidence Modeling of protein sequence and biophysical properties (such as structural, functional, and spatial information, amino acid conservation, physicochemical variation, residue mobility, and thermodynamic stability) indicates that this missense variant is not expected to disrupt DMD protein function with a negative predictive value of 95%. In summary, the available evidence is currently insufficient to determine the role of this variant in disease. Therefore, it has been classified as a Variant of Uncertain Significance.

Ambry Genetics
Classification: Uncertain significance for Cardiovascular phenotype. Last evaluated: 2022-09-28. Review status: criteria provided, single submitter. Criteria: Ambry Variant Classification Scheme 2023. Collection method: clinical testing. Allele origin: germline.
Comment: The p.N122T variant (also known as c.365A>C), located in coding exon 6 of the DMD gene, results from an A to C substitution at nucleotide position 365. The asparagine at codon 122 is replaced by threonine, an amino acid with similar properties. This amino acid position is not well conserved in available vertebrate species. In addition, the in silico prediction for this alteration is inconclusive. Since supporting evidence is limited at this time, the clinical significance of this alteration remains unclear.

Fulgent Genetics
Classification: Uncertain significance for Becker muscular dystrophy; Dilated cardiomyopathy 3B; Duchenne muscular dystrophy. Last evaluated: 2021-08-26. Review status: criteria provided, single submitter. Criteria: ACMG Guidelines, 2015. Collection method: clinical testing. Allele origin: unknown.

Natera, Inc.
Classification: Uncertain significance for Becker muscular dystrophy; Cardiomyopathy; Duchenne muscular dystrophy; Dystrophin deficiency. Last evaluated: 2020-07-25. Review status: no assertion criteria provided. Collection method: clinical testing. Allele origin: germline. Not counted in ClinVar's aggregate classification.

NM_004006.3(DMD):c.365A>C (p.Asn122Thr)

Gene: DMD (dystrophin; minus strand). Cytogenetic location: Xp21.1.
Variant type: single nucleotide variant.
Coding change: c.365A>C on transcript NM_004006.3 (MANE Select); coding-DNA position 365, A replaced by C.
Protein change: p.Asn122Thr; replaces asparagine 122 with threonine.
Molecular consequence: missense variant. On other transcripts: 5 prime UTR variant (1).
Genome position (GRCh38, 1-based): chrX:32,816,633, T>G on the plus strand (A>C on the coding strand, the complement: DMD is on the minus strand). VCF-style: chrX-32816633-T-G. GRCh37 (hg19) VCF-style: chrX-32834750-T-G.
Other names: c.341A>C, p.Asn114Thr (NM_000109.4); c.353A>C, p.Asn118Thr (NM_004009.3); c.-5A>C (NM_004010.3); short protein forms N114T, N118T, N122T.
Identifiers: ClinVar variation 654308 (VCV000654308.13), dbSNP rs1603437369, ClinGen allele CA412674378.